The following is an entry in ClinVar:

NM_000540.3(RYR1):c.12599A>T (p.Asn4200Ile)

Gene: RYR1 (ryanodine receptor 1; plus strand). Cytogenetic location: 19q13.2.
Variant type: single nucleotide variant.
Coding change: c.12599A>T on transcript NM_000540.3 (MANE Select); coding-DNA position 12599, A replaced by T.
Protein change: p.Asn4200Ile; replaces asparagine 4200 with isoleucine.
Molecular consequence: missense variant.
Genome position (GRCh38, 1-based): chr19:38,561,429, A>T. VCF-style: chr19-38561429-A-T. GRCh37 (hg19) VCF-style: chr19-39052069-A-T.
Other names: c.12584A>T, p.Asn4195Ile (NM_001042723.2); c.12599A>T (NM_000540.2); short protein forms N4200I, N4195I.
Identifiers: ClinVar variation 1366106 (VCV001366106.11), dbSNP rs199660276, ClinGen allele CA308106008.
Genomic context (GRCh38, chr19:38,561,429, plus strand): 5'-TCGAGATCATGGGCGCGTCACGCCGCATCGAGCGCATCTACTTCGAGATCTCAGAGACCA[A>T]CCGCGCCCAGTGGGAGATGCCCCAGGTCAGGGAACCCGCGCGCGTGCAAGCTCGCCTCCT-3'
Protein context (NP_000531.2, residues 4190-4210): ERIYFEISET[Asn4200Ile]RAQWEMPQVK

ClinVar aggregate classification (germline): Uncertain significance. Review status: criteria provided, multiple submitters, no conflicts (2 of 4 stars). 4 submissions from 4 submitters: Uncertain significance (4). Last evaluated 2026-09-02.

Conditions:
Congenital myopathy with fiber type disproportion. Also called: Congenital fiber-type disproportion; Congenital fiber-type disproportion myopathy. Identifiers: Orphanet 2020, MedGen C0546264, MONDO:0009711. Inheritance: all.
Malignant hyperthermia, susceptibility to, 1 (MHS1). Also called: RYR1-Related Malignant Hyperthermia Susceptibility; Anesthesia related hyperthermia; Malignant hyperpyrexia; Fulminating hyperpyrexia; Pharmacogenic myopathy; Malignant hyperthermia suceptibility 1. Identifiers: Orphanet 423, MedGen C2930980, MONDO:0007783, OMIM 145600.
King Denborough syndrome (KDS). Identifiers: MedGen C1840365, MONDO:0020485, OMIM 619542.
Central core myopathy (CMYO1A). Also called: Central core disease; Myopathy, central fibrillar; CONGENITAL MYOPATHY 1A, AUTOSOMAL DOMINANT, WITH SUSCEPTIBILITY TO MALIGNANT HYPERTHERMIA. Identifiers: Orphanet 597, MedGen C5830701, MONDO:0007294, OMIM 117000.
Congenital multicore myopathy with external ophthalmoplegia (CMYO1B). Also called: Minicore myopathy with external ophthalmoplegia; MULTIMINICORE DISEASE WITH EXTERNAL OPHTHALMOPLEGIA; Congenital myopathy 1B, autosomal recessive; Minicore myopathy; MULTICORE MYOPATHY. Identifiers: Orphanet 598, Orphanet 98905, MedGen C1850674, MONDO:0009712, OMIM 255320, HP:0003789.
RYR1-related disorder. Also called: RYR1-related condition; RYR1-related disorders. Identifiers: MedGen CN239331.
Inborn genetic diseases. Identifiers: MedGen C0950123, MeSH D030342.

Allele frequency attached by ClinVar (database versions not stated): 1000 Genomes Project 30x 0.00016; gnomAD exomes below 0.00001; gnomAD 0.00001; 1000 Genomes Project 0.00020.
gnomAD v4.1: 3 of 1,610,190 alleles (0.00019%); highest among the groups gnomAD compares: East Asian, 0.0022%; no homozygotes.

Submissions (4):

Ambry Genetics
Classification: Uncertain significance for Inborn genetic diseases. Last evaluated: 2026-09-02. Review status: criteria provided, single submitter. Criteria: Ambry Variant Classification Scheme 2023. Collection method: clinical testing. Allele origin: germline.
Comment: The c.12599A>T (p.N4200I) alteration is located in exon 90 (coding exon 90) of the RYR1 gene. This alteration results from a A to T substitution at nucleotide position 12599, causing the asparagine (N) at amino acid position 4200 to be replaced by an isoleucine (I). Based on data from gnomAD, the T allele has an overall frequency of <0.001% (1/245334) total alleles studied. The highest observed frequency was 0.006% (1/18314) of East Asian alleles. Based on insufficient or conflicting evidence, the clinical significance of this alteration remains unclear.

Labcorp Genetics (formerly Invitae), Labcorp
Classification: Uncertain significance for RYR1-related disorder. Last evaluated: 2025-09-10. Review status: criteria provided, single submitter. Criteria: Invitae Variant Classification Sherloc (09022015). Collection method: clinical testing. Allele origin: germline.
Comment: This sequence change replaces asparagine, which is neutral and polar, with isoleucine, which is neutral and non-polar, at codon 4200 of the RYR1 protein (p.Asn4200Ile). This variant is not present in population databases (gnomAD no frequency). This variant has not been reported in the literature in individuals affected with RYR1-related conditions. ClinVar contains an entry for this variant (Variation ID: 1366106). Invitae Evidence Modeling of protein sequence and biophysical properties (such as structural, functional, and spatial information, amino acid conservation, physicochemical variation, residue mobility, and thermodynamic stability) indicates that this missense variant is not expected to disrupt RYR1 protein function with a negative predictive value of 80%. In summary, the available evidence is currently insufficient to determine the role of this variant in disease. Therefore, it has been classified as a Variant of Uncertain Significance.

All of Us Research Program, National Institutes of Health
Classification: Uncertain significance for Malignant hyperthermia, susceptibility to, 1. Last evaluated: 2024-08-06. Review status: criteria provided, single submitter. Criteria: ACMG Guidelines, 2015. Collection method: clinical testing. Allele origin: germline. Inheritance: Autosomal dominant inheritance. Observed: 5 variant alleles, 5 heterozygotes.
Comment: This missense variant replaces asparagine with isoleucine at codon 4200 of the RYR1 protein. Computational prediction suggests that this variant may have deleterious impact on protein structure and function (internally defined REVEL score threshold >= 0.7, PMID: 27666373). To our knowledge, functional studies have not been reported for this variant. This variant has not been reported in individuals affected with RYR1-related disorders in the literature. This variant has been identified in 1/245334 chromosomes in the general population by the Genome Aggregation Database (gnomAD). The available evidence is insufficient to determine the role of this variant in disease conclusively. Therefore, this variant is classified as a Variant of Uncertain Significance.

This study involves interpretation of variants in research participants for the purpose of population health screening. Participant phenotype was not available at the time of variant classification. Additional details can be found in publication PMID: 35346344, PMCID: PMC8962531

Fulgent Genetics
Classification: Uncertain significance for Central core myopathy; Malignant hyperthermia, susceptibility to, 1; Congenital myopathy 4A, autosomal dominant; Congenital multicore myopathy with external ophthalmoplegia; King Denborough syndrome. Last evaluated: 2021-11-05. Review status: criteria provided, single submitter. Criteria: ACMG Guidelines, 2015. Collection method: clinical testing. Allele origin: unknown.